The following is an entry in ClinVar:

ClinVar aggregate classification (germline): Likely pathogenic (1 of 4 stars; one submission).

Submission:

Dasa
Classification: Likely pathogenic. Last evaluated: 2026-04-06. Review status: criteria provided, single submitter. Criteria: DASA Assertion Criteria. Collection method: clinical testing. Allele origin: germline.
Comment: NM_001846.4(COL4A2):c.2894del (p.Gly965Valfs*22) is a frameshift variant in COL4A2 predicted to alter the reading frame and introduce a premature termination codon and is predicted to result in an absent or altered protein product. Loss of function is an established disease mechanism for COL4A2-associated disorders. Also, this variant is absent from population databases. Based on the currently available evidence, this variant is classified as likely pathogenic.

NM_001846.4(COL4A2):c.2894del (p.Gly965fs)

Gene: COL4A2 (collagen type IV alpha 2 chain; plus strand). Cytogenetic location: 13q34.
Variant type: Deletion.
Coding change: c.2894del on transcript NM_001846.4 (MANE Select); coding-DNA position 2894, one base deleted (G; older notation c.2894delG).
Protein change: p.Gly965fs; shifts the reading frame from glycine 965.
Molecular consequence: frameshift variant.
Genome position (GRCh38, 1-based): chr13:110,482,651, G deleted; the last of 2 consecutive G bases (chr13:110,482,650-110,482,651); deleting either gives the same sequence. VCF-style (leftmost placement, unchanged base first): chr13-110482649-AG-A. GRCh37 (hg19) VCF-style: chr13-111134996-AG-A.
Other names: short protein forms G965fs.
Identifiers: ClinVar variation 4880598 (VCV004880598.2).
Genomic context (GRCh38, chr13:110,482,649, plus strand): 5'-GAGCAAAGGCGAGGCTGGATTTTTCGGAATACCCGGTCTGAAGGGTCTGGCTGGTGAGCC[AG>A]GTTTTAAAGGTATGTCCCTCTCTTAACATCCTCCTTACCTGGTCATGGTGGCATCCTCCT-3'